The following is an entry in ClinVar:

NM_006979.3(SLC39A7):c.1166T>C (p.Val389Ala)

Gene: SLC39A7 (solute carrier family 39 member 7; plus strand). Cytogenetic location: 6p21.32.
Variant type: single nucleotide variant.
Coding change: c.1166T>C on transcript NM_006979.3 (MANE Select); coding-DNA position 1166, T replaced by C.
Protein change: p.Val389Ala; replaces valine 389 with alanine.
Molecular consequence: missense variant.
Genome position (GRCh38, 1-based): chr6:33,203,569, T>C. VCF-style: chr6-33203569-T-C. GRCh37 (hg19) VCF-style: chr6-33171346-T-C.
Other names: c.1166T>C, p.Val389Ala (NM_001077516.2); c.791T>C, p.Val264Ala (NM_001288777.2); short protein forms V264A, V389A.
Identifiers: ClinVar variation 4695275 (VCV004695275.1).

ClinVar aggregate classification (germline): Uncertain significance (1 of 4 stars; one submission).

gnomAD v4.1: 16 of 1,614,242 alleles (0.00099%); highest among the groups gnomAD compares: Non-Finnish European, 0.0014%; no homozygotes.

Submission:

Labcorp Genetics (formerly Invitae), Labcorp
Classification: Uncertain significance. Last evaluated: 2025-10-21. Review status: criteria provided, single submitter. Criteria: Invitae Variant Classification Sherloc (09022015). Collection method: clinical testing. Allele origin: germline.
Comment: This sequence change replaces valine, which is neutral and non-polar, with alanine, which is neutral and non-polar, at codon 389 of the SLC39A7 protein (p.Val389Ala). This variant is present in population databases (rs371668154, gnomAD 0.003%). This variant has not been reported in the literature in individuals affected with SLC39A7-related conditions. An algorithm developed to predict the effect of missense changes on protein structure and function (PolyPhen-2) suggests that this variant is likely to be tolerated. In summary, the available evidence is currently insufficient to determine the role of this variant in disease. Therefore, it has been classified as a Variant of Uncertain Significance.